The following is an entry in ClinVar:

NM_152564.5(VPS13B):c.11495+10T>C

Gene: VPS13B (vacuolar protein sorting 13 homolog B; plus strand). Cytogenetic location: 8q22.2.
Variant type: single nucleotide variant.
Coding change: c.11495+10T>C on transcript NM_152564.5 (MANE Select); 10 bases into the intron after coding-DNA position 11495, T replaced by C.
Molecular consequence: intron variant.
Genome position (GRCh38, 1-based): chr8:99,870,897, T>C. VCF-style: chr8-99870897-T-C. GRCh37 (hg19) VCF-style: chr8-100883125-T-C.
Other names: c.11570+10T>C (NM_017890.5); c.11495+10T>C (NM_152564.4).
Identifiers: ClinVar variation 1151110 (VCV001151110.11), dbSNP rs1250469602, ClinGen allele CA583849174.

ClinVar aggregate classification (germline): Likely benign. Review status: criteria provided, multiple submitters, no conflicts (2 of 4 stars). 3 submissions from 3 submitters: Likely benign (2). 1 of the submissions does not count toward it. Last evaluated 2025-01-20.

Conditions:
Cohen syndrome (COH1). Also called: PEPPER SYNDROME; Cutis verticis gyrata, retinitis pigmentosa, and sensorineural deafness. Identifiers: Orphanet 193, MedGen C0265223, MONDO:0008999, OMIM 216550.
VPS13B-related disorder. Also called: VPS13B-related condition.

Allele frequency attached by ClinVar (database versions not stated): gnomAD exomes 0.00001; gnomAD 0.00002.
gnomAD v4.1: 13 of 1,612,392 alleles (0.00081%); highest among the groups gnomAD compares: Admixed American, 0.01%; no homozygotes.

Submissions (3):

Labcorp Genetics (formerly Invitae), Labcorp
Classification: Likely benign for Cohen syndrome. Last evaluated: 2025-01-20. Review status: criteria provided, single submitter. Criteria: Invitae Variant Classification Sherloc (09022015). Collection method: clinical testing. Allele origin: germline.

Blueprint Genetics
Classification: Likely benign. Last evaluated: 2021-09-23. Review status: criteria provided, single submitter. Criteria: ACMG Guidelines, 2015. Collection method: clinical testing. Allele origin: germline.

PreventionGenetics, part of Exact Sciences
Classification: Likely benign for VPS13B-related condition. Last evaluated: 2021-10-19. Review status: no assertion criteria provided. Collection method: clinical testing. Allele origin: germline. Not counted in ClinVar's aggregate classification.
Comment: This variant is classified as likely benign based on ACMG/AMP sequence variant interpretation guidelines (Richards et al. 2015 PMID: 25741868, with internal and published modifications).